The following is an entry in ClinVar:

ClinVar aggregate classification (germline): Conflicting classifications of pathogenicity. Review status: criteria provided, conflicting classifications (1 of 4 stars). 5 submissions from 5 submitters: Uncertain significance (2); Likely benign (2). 1 of the submissions does not count toward it. Last evaluated 2025-12-22.

Conditions:
Hereditary hemochromatosis (HFE). Identifiers: MedGen C0392514, MONDO:0006507. Disease mechanism: loss of function.
TFR2-related disorder. Also called: TFR2-related condition.
Inborn genetic diseases. Identifiers: MedGen C0950123, MeSH D030342.
Hemochromatosis type 3 (HFE3). Also called: Hereditary hemochromatosis type 3; TFR2-Related Hemochromatosis; HEMOCHROMATOSIS DUE TO DEFECT IN TRANSFERRIN RECEPTOR 2. Identifiers: Orphanet 225123, MedGen C1858664, MONDO:0011417, OMIM 604250.

Allele frequency attached by ClinVar (database versions not stated): gnomAD 0.00001 and 0.00015; TOPMed 0.00003; ESP Exome Variant Server 0.00015; gnomAD exomes 0.00016 and 0.00029; ExAC 0.00032; 1000 Genomes Project 30x 0.00062; 1000 Genomes Project 0.00080.
gnomAD v4.1: 263 of 1,614,138 alleles (0.016%); highest among the groups gnomAD compares: South Asian, 0.25%; 5 homozygotes.

Submissions (5):

Labcorp Genetics (formerly Invitae), Labcorp
Classification: Likely benign for Hereditary hemochromatosis. Last evaluated: 2025-12-22. Review status: criteria provided, single submitter. Criteria: Invitae Variant Classification Sherloc (09022015). Collection method: clinical testing. Allele origin: germline.

Ambry Genetics
Classification: Uncertain significance for Inborn genetic diseases. Last evaluated: 2025-01-17. Review status: criteria provided, single submitter. Criteria: Ambry Variant Classification Scheme 2023. Collection method: clinical testing. Allele origin: germline.

PreventionGenetics, part of Exact Sciences
Classification: Likely benign for TFR2-related condition. Last evaluated: 2024-11-14. Review status: criteria provided, single submitter. Criteria: ACMG Guidelines, 2015. Collection method: clinical testing. Allele origin: germline.
Comment: This variant is classified as likely benign based on ACMG/AMP sequence variant interpretation guidelines (Richards et al. 2015 PMID: 25741868, with internal and published modifications).

Illumina Laboratory Services, Illumina
Classification: Uncertain significance for Hemochromatosis type 3. Last evaluated: 2018-01-12. Review status: criteria provided, single submitter. Criteria: ICSL Variant Classification Criteria 13 December 2019. Collection method: clinical testing. Allele origin: germline.

Natera, Inc.
Classification: Benign for Hereditary hemochromatosis type 3. Last evaluated: 2019-11-11. Review status: no assertion criteria provided. Collection method: clinical testing. Allele origin: germline. Not counted in ClinVar's aggregate classification.

NM_003227.4(TFR2):c.1504G>A (p.Val502Ile)

Gene: TFR2 (transferrin receptor 2; minus strand). Cytogenetic location: 7q22.1.
Variant type: single nucleotide variant.
Coding change: c.1504G>A on transcript NM_003227.4 (MANE Select); coding-DNA position 1504, G replaced by A.
Protein change: p.Val502Ile; replaces valine 502 with isoleucine.
Molecular consequence: missense variant.
Genome position (GRCh38, 1-based): chr7:100,628,106, C>T on the plus strand (G>A on the coding strand, the complement: TFR2 is on the minus strand). VCF-style: chr7-100628106-C-T. GRCh37 (hg19) VCF-style: chr7-100225729-C-T.
Other names: c.991G>A, p.Val331Ile (NM_001206855.3); short protein forms V502I, V331I.
Identifiers: ClinVar variation 358289 (VCV000358289.18), dbSNP rs150618729, ClinGen allele CA4386398.